The following is an entry in ClinVar:

ClinVar aggregate classification (germline): Uncertain significance (1 of 4 stars; one submission).

Conditions:
Spastic paraplegia. Identifiers: MedGen C0037772, HP:0001258.

Allele frequency attached by ClinVar (database versions not stated): gnomAD exomes 0.00001.
gnomAD v4.1: 21 of 1,613,924 alleles (0.0013%); highest among the groups gnomAD compares: Non-Finnish European, 0.0018%; no homozygotes.

Submission:

Labcorp Genetics (formerly Invitae), Labcorp
Classification: Uncertain significance for Spastic paraplegia. Last evaluated: 2021-07-16. Review status: criteria provided, single submitter. Criteria: Invitae Variant Classification Sherloc (09022015). Collection method: clinical testing. Allele origin: germline.
Comment: In summary, the available evidence is currently insufficient to determine the role of this variant in disease. Therefore, it has been classified as a Variant of Uncertain Significance. Algorithms developed to predict the effect of missense changes on protein structure and function output the following: SIFT: "Tolerated"; PolyPhen-2: "Benign"; Align-GVGD: "Class C0". The alanine amino acid residue is found in multiple mammalian species, which suggests that this missense change does not adversely affect protein function. This variant has not been reported in the literature in individuals affected with AP4E1-related conditions. This variant is not present in population databases (ExAC no frequency). This sequence change replaces valine with alanine at codon 219 of the AP4E1 protein (p.Val219Ala). The valine residue is highly conserved and there is a small physicochemical difference between valine and alanine.

NM_007347.5(AP4E1):c.656T>C (p.Val219Ala)

Gene: AP4E1 (adaptor related protein complex 4 subunit epsilon 1; plus strand). Cytogenetic location: 15q21.2.
Variant type: single nucleotide variant.
Coding change: c.656T>C on transcript NM_007347.5 (MANE Select); coding-DNA position 656, T replaced by C.
Protein change: p.Val219Ala; replaces valine 219 with alanine.
Molecular consequence: missense variant.
Genome position (GRCh38, 1-based): chr15:50,929,122, T>C. VCF-style: chr15-50929122-T-C. GRCh37 (hg19) VCF-style: chr15-51221319-T-C.
Other names: c.431T>C, p.Val144Ala (NM_001252127.2); short protein forms V219A, V144A.
Identifiers: ClinVar variation 1396454 (VCV001396454.6), dbSNP rs2141154677, ClinGen allele CA392415872.
Genomic context (GRCh38, chr15:50,929,122, plus strand): 5'-CTCCTAATCAAGTACAACATATTCATATTAAGTTTCGGAAAGCACTTTGTGACAGAGATG[T>C]TGGGGTCATGGCTGCCTCCTTGCATATATATCTTAGAATGATTAAGGTAAGTTGGAAATT-3'
Protein context (NP_031373.2, residues 209-229): KFRKALCDRD[Val219Ala]GVMAASLHIY